The following is an entry in ClinVar:

ClinVar aggregate classification (germline): Uncertain significance (1 of 4 stars; one submission).

Allele frequency attached by ClinVar (database versions not stated): gnomAD 0.00001.
gnomAD v4.1: 1 of 1,613,150 alleles (0.000062%); highest among the groups gnomAD compares: African/African-American, 0.0013%; no homozygotes.

Submission:

Labcorp Genetics (formerly Invitae), Labcorp
Classification: Uncertain significance. Last evaluated: 2022-11-10. Review status: criteria provided, single submitter. Criteria: Invitae Variant Classification Sherloc (09022015). Collection method: clinical testing. Allele origin: germline.
Comment: This sequence change replaces proline, which is neutral and non-polar, with arginine, which is basic and polar, at codon 507 of the KMT2A protein (p.Pro507Arg). In summary, the available evidence is currently insufficient to determine the role of this variant in disease. Therefore, it has been classified as a Variant of Uncertain Significance. Advanced modeling of protein sequence and biophysical properties (such as structural, functional, and spatial information, amino acid conservation, physicochemical variation, residue mobility, and thermodynamic stability) has been performed at Invitae for this missense variant, however the output from this modeling did not meet the statistical confidence thresholds required to predict the impact of this variant on KMT2A protein function. This variant has not been reported in the literature in individuals affected with KMT2A-related conditions. This variant is not present in population databases (gnomAD no frequency).

NM_001197104.2(KMT2A):c.1520C>G (p.Pro507Arg)

Gene: KMT2A (lysine methyltransferase 2A; plus strand). Cytogenetic location: 11q23.3.
Variant type: single nucleotide variant.
Coding change: c.1520C>G on transcript NM_001197104.2 (MANE Select); coding-DNA position 1520, C replaced by G.
Protein change: p.Pro507Arg; replaces proline 507 with arginine.
Molecular consequence: missense variant.
Genome position (GRCh38, 1-based): chr11:118,472,679, C>G. VCF-style: chr11-118472679-C-G. GRCh37 (hg19) VCF-style: chr11-118343394-C-G.
Other names: c.1619C>G, p.Pro540Arg (NM_001412597.1); c.1520C>G, p.Pro507Arg (NM_005933.4); short protein forms P507R, P540R.
Identifiers: ClinVar variation 2807343 (VCV002807343.3), dbSNP rs1949963955, ClinGen allele CA382810286.